The following is an entry in ClinVar:

NM_003200.5(TCF3):c.822+3A>C

Gene: TCF3 (transcription factor 3; minus strand). Cytogenetic location: 19p13.3.
Variant type: single nucleotide variant.
Coding change: c.822+3A>C on transcript NM_003200.5 (MANE Select); 3 bases into the intron after coding-DNA position 822, A replaced by C.
Molecular consequence: intron variant.
Genome position (GRCh38, 1-based): chr19:1,622,051, T>G on the plus strand (A>C on the coding strand, the complement: TCF3 is on the minus strand). VCF-style: chr19-1622051-T-G. GRCh37 (hg19) VCF-style: chr19-1622050-T-G.
Other names: c.822+3A>C (NM_001351778.2, NM_001136139.4, NM_001351779.2).
Identifiers: ClinVar variation 4712773 (VCV004712773.1).

ClinVar aggregate classification (germline): Uncertain significance (1 of 4 stars; one submission).

Submission:

Labcorp Genetics (formerly Invitae), Labcorp
Classification: Uncertain significance. Last evaluated: 2025-02-10. Review status: criteria provided, single submitter. Criteria: Invitae Variant Classification Sherloc (09022015). Collection method: clinical testing. Allele origin: germline.
Comment: This sequence change falls in intron 10 of the TCF3 gene. It does not directly change the encoded amino acid sequence of the TCF3 protein. It affects a nucleotide within the consensus splice site. This variant is not present in population databases (gnomAD no frequency). This variant has not been reported in the literature in individuals affected with TCF3-related conditions. Variants that disrupt the consensus splice site are a relatively common cause of aberrant splicing (PMID: 17576681, 9536098). Algorithms developed to predict the effect of sequence changes on RNA splicing suggest that this variant may disrupt the consensus splice site. In summary, the available evidence is currently insufficient to determine the role of this variant in disease. Therefore, it has been classified as a Variant of Uncertain Significance.

Literature cited by the submitters: PubMed 17576681; PubMed 9536098.